The following continues an entry in ClinVar:

NM_001037.5(SCN1B):c.363C>G (p.Cys121Trp)

Gene: SCN1B. ClinVar aggregate classification (germline): Conflicting classifications of pathogenicity. Pathogenic (16); Likely pathogenic (4); Uncertain significance (1).

Submissions 22 to 23 of 23:

PreventionGenetics, part of Exact Sciences
Classification: Pathogenic for SCN1B-related condition. Last evaluated: 2023-10-29. Review status: no assertion criteria provided. Collection method: clinical testing. Allele origin: germline. Not counted in ClinVar's aggregate classification.
Comment: The SCN1B c.363C>G variant is predicted to result in the amino acid substitution p.Cys121Trp. This variant has been reported to segregate in multiple large families with generalized epilepsy with febrile seizures plus (GEFS+) with incomplete penetrance (Wallace et al. 1998. PubMed ID: 9697698; Scheffer et al. 2006. PubMed ID: 17020904). In vitro functional studies demonstrate a deleterious effect on SCN1B function by failing to modulate the sodium channel inactivating ability appropriately (Wallace et al. 1998. PubMed ID: 9697698) and in vivo functional studies demonstrates that mice expressing this variant were more prone to heat-induced seizures, decreased SCN1B protein expression in the brain, and subcellular mislocalization when compared to mice expressing wild type SCN1B (Kruger et al. 2016. PubMed ID: 27277800). This variant is reported in 0.0031% of alleles in individuals of European (non-Finnish) descent in gnomAD and has been reported in ClinVar as pathogenic and likely pathogenic by other laboratories. This variant is interpreted as pathogenic.

OMIM
Classification: Pathogenic for GENERALIZED EPILEPSY WITH FEBRILE SEIZURES PLUS, TYPE 1. Last evaluated: 2002-05-14. Review status: no assertion criteria provided. Collection method: literature only. Allele origin: germline. Not counted in ClinVar's aggregate classification.

Literature cited by the submitters: PubMed 36291443 (cited by Victorian Clinical Genetics Services, Murdoch Childrens Research Institute); PubMed 12011299 (cited by 8 submitters); PubMed 17020904 (cited by 7 submitters); PubMed 9697698 (cited by 9 submitters); PubMed 20628201 (cited by Labcorp Genetics (formerly Invitae), Labcorp and Athena Diagnostics); PubMed 25421039 (cited by Labcorp Genetics (formerly Invitae), Labcorp); PubMed 27277800 (cited by 5 submitters); PubMed 28331474 (cited by Labcorp Genetics (formerly Invitae), Labcorp); PubMed 14504340 (cited by Women's Health and Genetics/Laboratory Corporation of America, LabCorp and Ambry Genetics); PubMed 20437590 (cited by Women's Health and Genetics/Laboratory Corporation of America, LabCorp and Athena Diagnostics); PubMed 16302872 (cited by Women's Health and Genetics/Laboratory Corporation of America, LabCorp); PubMed 15021241 (cited by Women's Health and Genetics/Laboratory Corporation of America, LabCorp); PubMed 16205844 (cited by Women's Health and Genetics/Laboratory Corporation of America, LabCorp and Athena Diagnostics); PubMed 16932562 (cited by Women's Health and Genetics/Laboratory Corporation of America, LabCorp); PubMed 15857929 (cited by Women's Health and Genetics/Laboratory Corporation of America, LabCorp and Athena Diagnostics); PubMed 18175077 (cited by Women's Health and Genetics/Laboratory Corporation of America, LabCorp); PubMed 12644745 (cited by Women's Health and Genetics/Laboratory Corporation of America, LabCorp); PubMed 19710327 (cited by Women's Health and Genetics/Laboratory Corporation of America, LabCorp); PubMed 18052691 (cited by Women's Health and Genetics/Laboratory Corporation of America, LabCorp); PubMed 11254444 (cited by Women's Health and Genetics/Laboratory Corporation of America, LabCorp and Athena Diagnostics); PubMed 17629415 (cited by Women's Health and Genetics/Laboratory Corporation of America, LabCorp); PubMed 11866477 (cited by 5 submitters); PubMed 12486163 (cited by 3 submitters); PubMed 14690046 (cited by Ambry Genetics); PubMed 22292491 (cited by 4 submitters); PubMed 22425777 (cited by 3 submitters); PubMed 23527921 (cited by 3 submitters); PubMed 23584539 (cited by 4 submitters); PubMed 24567321 (cited by Ambry Genetics); PubMed 24623842 (cited by 3 submitters); PubMed 24747835 (cited by Ambry Genetics and Athena Diagnostics); PubMed 9461582 (cited by Ambry Genetics); PubMed 9539778 (cited by Ambry Genetics); PubMed 2486163 (cited by Variantyx, Inc.); PubMed 36288729 (cited by Variantyx, Inc. and OMIM); PubMed 24065921 (cited by AiLife Diagnostics and Athena Diagnostics); PubMed 28717674 (cited by AiLife Diagnostics); PubMed 29056246 (cited by AiLife Diagnostics); PubMed 32466254 (cited by AiLife Diagnostics); PubMed 17928445 (cited by Athena Diagnostics); PubMed 21994374 (cited by Athena Diagnostics); PubMed 27216889 (cited by Athena Diagnostics); PubMed 25827112 (cited by Athena Diagnostics); PubMed 24605816 (cited by Athena Diagnostics); PubMed 11263970 (cited by Athena Diagnostics); PubMed 18941776 (cited by Athena Diagnostics); PubMed 9894880 (cited by OMIM).